The following is an entry in ClinVar:

NM_007289.4(MME):c.390A>G (p.Ile130Met)

Gene: MME (membrane metalloendopeptidase; plus strand). Cytogenetic location: 3q25.2.
Variant type: single nucleotide variant.
Coding change: c.390A>G on transcript NM_007289.4 (MANE Select); coding-DNA position 390, A replaced by G.
Protein change: p.Ile130Met; replaces isoleucine 130 with methionine.
Molecular consequence: missense variant.
Genome position (GRCh38, 1-based): chr3:155,116,510, A>G. VCF-style: chr3-155116510-A-G. GRCh37 (hg19) VCF-style: chr3-154834299-A-G.
Other names: c.390A>G, p.Ile130Met (NM_000902.5, NM_001354642.2, NM_001354643.1 and 2 more transcripts); short protein forms I130M.
Identifiers: ClinVar variation 1425370 (VCV001425370.6), dbSNP rs2108255442, ClinGen allele CA355127783.
Genomic context (GRCh38, chr3:155,116,510, plus strand): 5'-GATGCATTTTATTAAATGTCCTATTTCAGATGTCCTTCAAGAACCCAAAACTGAAGATAT[A>G]GTAGCAGTGCAGAAAGCAAAAGCATTGTACAGGTCTTGTATAAATGAATGTAAGTGCTCT-3'
Protein context (NP_009220.2, residues 120-140): DVLQEPKTED[Ile130Met]VAVQKAKALY

ClinVar aggregate classification (germline): Uncertain significance (1 of 4 stars; one submission).

gnomAD v4.1: 3 of 1,612,878 alleles (0.00019%); no homozygotes.

Submission:

Labcorp Genetics (formerly Invitae), Labcorp
Classification: Uncertain significance. Last evaluated: 2021-09-29. Review status: criteria provided, single submitter. Criteria: Invitae Variant Classification Sherloc (09022015). Collection method: clinical testing. Allele origin: germline.
Comment: In summary, the available evidence is currently insufficient to determine the role of this variant in disease. Therefore, it has been classified as a Variant of Uncertain Significance. Algorithms developed to predict the effect of missense changes on protein structure and function are either unavailable or do not agree on the potential impact of this missense change (SIFT: "Tolerated"; PolyPhen-2: "Probably Damaging"; Align-GVGD: "Class C0"). This variant has not been reported in the literature in individuals affected with MME-related conditions. This variant is not present in population databases (ExAC no frequency). This sequence change replaces isoleucine with methionine at codon 130 of the MME protein (p.Ile130Met). The isoleucine residue is moderately conserved and there is a small physicochemical difference between isoleucine and methionine.